The following is an entry in ClinVar:

NM_002206.3(ITGA7):c.2428G>C (p.Ala810Pro)

Genes: ITGA7 (integrin subunit alpha 7; minus strand), LOC126861535 (CDK7 strongly-dependent group 2 enhancer GRCh37_chr12:56087579-56088778; plus strand). Cytogenetic location: 12q13.2.
Variant type: single nucleotide variant.
Coding change: c.2428G>C on transcript NM_002206.3 (MANE Select); coding-DNA position 2428, G replaced by C.
Protein change: p.Ala810Pro; replaces alanine 810 with proline.
Molecular consequence: missense variant.
Genome position (GRCh38, 1-based): chr12:55,694,260, C>G on the plus strand (G>C on the coding strand, the complement: ITGA7 is on the minus strand). VCF-style: chr12-55694260-C-G. GRCh37 (hg19) VCF-style: chr12-56088044-C-G.
Other names: c.2440G>C, p.Ala814Pro (NM_001144996.2); c.2149G>C, p.Ala717Pro (NM_001144997.2); c.2101G>C, p.Ala701Pro (NM_001367993.1); c.1084G>C, p.Ala362Pro (NM_001367994.1); c.2410G>C, p.Ala804Pro (NM_001374465.1); c.2560G>C, p.Ala854Pro (NM_001410977.1); c.2422G>C, p.Ala808Pro (NM_001414029.1); c.2353G>C, p.Ala785Pro (NM_001414030.1); and 5 more; short protein forms A362P, A701P, A717P, A804P, A810P, A814P, A854P, A781P.
Identifiers: ClinVar variation 1307125 (VCV001307125.6), dbSNP rs1387658204, ClinGen allele CA385182786.

ClinVar aggregate classification (germline): Uncertain significance. Review status: criteria provided, multiple submitters, no conflicts (2 of 4 stars). 3 submissions from 3 submitters: Uncertain significance (3). Last evaluated 2023-04-11.

Conditions:
Congenital muscular dystrophy due to integrin alpha-7 deficiency. Also called: MYOPATHY, CONGENITAL, DUE TO INTEGRIN ALPHA-7 DEFICIENCY; Congenital muscular dystrophy with integrin alpha-7 deficiency; Muscular dystrophy, congenital, due to ITGA7 deficiency. Identifiers: Orphanet 34520, MedGen C2750786, MONDO:0013177, OMIM 613204.

Allele frequency attached by ClinVar (database versions not stated): gnomAD exomes below 0.00001; TOPMed below 0.00001.
gnomAD v4.1: 5 of 1,614,104 alleles (0.00031%); highest among the groups gnomAD compares: Non-Finnish European, 0.00034%; no homozygotes.

Submissions (3):

Ambry Genetics
Classification: Uncertain significance. Last evaluated: 2023-04-11. Review status: criteria provided, single submitter. Criteria: Ambry Variant Classification Scheme 2023. Collection method: clinical testing. Allele origin: germline.

Revvity Omics, Revvity
Classification: Uncertain significance for Congenital muscular dystrophy due to integrin alpha-7 deficiency. Last evaluated: 2019-12-17. Review status: criteria provided, single submitter. Criteria: ACMG Guidelines, 2015. Collection method: clinical testing. Allele origin: germline.

GeneDx
Classification: Uncertain significance. Last evaluated: 2019-03-04. Review status: criteria provided, single submitter. Criteria: GeneDx Variant Classification Process June 2021. Collection method: clinical testing. Allele origin: germline. Affected: yes.
Comment: Not observed at a significant frequency in large population cohorts (Lek et al., 2016; McVean et al., 2012; Exome Variant Server); In silico analysis, which includes protein predictors and evolutionary conservation, supports that this variant does not alter protein structure/function; Has not been previously published as pathogenic or benign to our knowledge